The following is an entry in ClinVar:

ClinVar aggregate classification (germline): Uncertain significance. Review status: criteria provided, multiple submitters, no conflicts (2 of 4 stars). 3 submissions from 3 submitters: Uncertain significance (3). Last evaluated 2026-02-10.

Conditions:
Inborn genetic diseases. Identifiers: MedGen C0950123, MeSH D030342.
NDUFS1-related disorder. Also called: NDUFS1-related condition.

Allele frequency attached by ClinVar (database versions not stated): gnomAD 0.00002; gnomAD exomes 0.00002; ExAC 0.00003; TOPMed 0.00003.
gnomAD v4.1: 51 of 1,612,988 alleles (0.0032%); highest among the groups gnomAD compares: Non-Finnish European, 0.0036%; no homozygotes.

Submissions (3):

PreventionGenetics, part of Exact Sciences
Classification: Uncertain significance for NDUFS1-related condition. Last evaluated: 2026-02-10. Review status: criteria provided, single submitter. Criteria: ACMG Guidelines, 2015. Collection method: clinical testing. Allele origin: germline.
Comment: The NDUFS1 c.1412A>G variant is predicted to result in the amino acid substitution p.Lys471Arg. To our knowledge, this variant has not been reported in the literature. This variant is reported in 0.0046% of alleles in individuals of European (Finnish) descent in gnomAD. At this time, the clinical significance of this variant is uncertain due to the absence of conclusive functional and genetic evidence.

Ambry Genetics
Classification: Uncertain significance for Inborn genetic diseases. Last evaluated: 2024-06-02. Review status: criteria provided, single submitter. Criteria: Ambry Variant Classification Scheme 2023. Collection method: clinical testing. Allele origin: germline.

Labcorp Genetics (formerly Invitae), Labcorp
Classification: Uncertain significance. Last evaluated: 2022-10-31. Review status: criteria provided, single submitter. Criteria: Invitae Variant Classification Sherloc (09022015). Collection method: clinical testing. Allele origin: germline.
Comment: This sequence change replaces lysine, which is basic and polar, with arginine, which is basic and polar, at codon 471 of the NDUFS1 protein (p.Lys471Arg). This variant is present in population databases (rs772128142, gnomAD 0.005%). This variant has not been reported in the literature in individuals affected with NDUFS1-related conditions. ClinVar contains an entry for this variant (Variation ID: 1509873). Advanced modeling of protein sequence and biophysical properties (such as structural, functional, and spatial information, amino acid conservation, physicochemical variation, residue mobility, and thermodynamic stability) performed at Invitae indicates that this missense variant is not expected to disrupt NDUFS1 protein function. In summary, the available evidence is currently insufficient to determine the role of this variant in disease. Therefore, it has been classified as a Variant of Uncertain Significance.

NM_005006.7(NDUFS1):c.1412A>G (p.Lys471Arg)

Gene: NDUFS1 (NADH:ubiquinone oxidoreductase core subunit S1; minus strand). Cytogenetic location: 2q33.3.
Variant type: single nucleotide variant.
Coding change: c.1412A>G on transcript NM_005006.7 (MANE Select); coding-DNA position 1412, A replaced by G.
Protein change: p.Lys471Arg; replaces lysine 471 with arginine.
Molecular consequence: missense variant.
Genome position (GRCh38, 1-based): chr2:206,133,086, T>C on the plus strand (A>G on the coding strand, the complement: NDUFS1 is on the minus strand). VCF-style: chr2-206133086-T-C. GRCh37 (hg19) VCF-style: chr2-206997810-T-C.
Other names: c.1304A>G, p.Lys435Arg (NM_001199981.2); c.1079A>G, p.Lys360Arg (NM_001199982.2); c.1241A>G, p.Lys414Arg (NM_001199983.2); c.1454A>G, p.Lys485Arg (NM_001199984.2); c.1412A>G (NM_005006.6); short protein forms K360R, K414R, K435R, K485R, K471R.
Identifiers: ClinVar variation 1509873 (VCV001509873.7), dbSNP rs772128142, ClinGen allele CA2070442.